The following is an entry in ClinVar:

NM_001367534.1(CAMK2G):c.591C>G (p.Ile197Met)

Gene: CAMK2G (calcium/calmodulin dependent protein kinase II gamma; minus strand). Cytogenetic location: 10q22.2.
Variant type: single nucleotide variant.
Coding change: c.591C>G on transcript NM_001367534.1 (MANE Select); coding-DNA position 591, C replaced by G.
Protein change: p.Ile197Met; replaces isoleucine 197 with methionine.
Molecular consequence: missense variant. On other transcripts: 5 prime UTR variant (1), non-coding transcript variant (8).
Genome position (GRCh38, 1-based): chr10:73,848,536, G>C on the plus strand (C>G on the coding strand, the complement: CAMK2G is on the minus strand). VCF-style: chr10-73848536-G-C. GRCh37 (hg19) VCF-style: chr10-75608294-G-C.
Other names: c.591C>G, p.Ile197Met (NM_001204492.2, NM_001222.4, NM_001320898.2 and 28 more transcripts); c.567C>G, p.Ile189Met (NM_001367514.1, NM_001367525.1, NM_001367532.1); c.345C>G, p.Ile115Met (NM_001367524.1, NM_001367539.1); c.279C>G, p.Ile93Met (NM_001367537.1, NM_001367538.1); c.20C>G, p.Ser7Cys (NM_001367540.1); c.-163C>G (NM_001367542.1); short protein forms I115M, I189M, I197M, I93M, S7C.
Identifiers: ClinVar variation 1695473 (VCV001695473.2), dbSNP rs145050479, ClinGen allele CA209651103.
Genomic context (GRCh38, chr10:73,848,536, plus strand): 5'-AAGTTGAGGGCCCTTAACAGCGAAAAGCTGAGAGCGTGGAATGGGCTTACCGCAGGCCCA[G>C]ATATCCACAGGTTTTCCATAGGGATCTTTCCTCAAGACCTCAGGGGACAAGTAACCTGGG-3'
Protein context (NP_001354463.1, residues 187-207): RKDPYGKPVD[Ile197Met]WACGVILYIL

ClinVar aggregate classification (germline): Uncertain significance (1 of 4 stars; one submission).

Allele frequency attached by ClinVar (database versions not stated): ESP Exome Variant Server 0.00008.
gnomAD v4.1: 15 of 1,611,292 alleles (0.00093%); highest among the groups gnomAD compares: Non-Finnish European, 0.0013%; no homozygotes.

Submission:

GeneDx
Classification: Uncertain significance. Last evaluated: 2022-01-05. Review status: criteria provided, single submitter. Criteria: GeneDx Variant Classification Process June 2021. Collection method: clinical testing. Allele origin: germline. Affected: yes.
Comment: Not observed at significant frequency in large population cohorts (gnomAD); In silico analysis supports that this missense variant does not alter protein structure/function; Has not been previously published as pathogenic or benign to our knowledge